The following is an entry in ClinVar:

ClinVar aggregate classification (germline): Uncertain significance (1 of 4 stars; one submission).

Conditions:
Stormorken syndrome (STRMK). Also called: THROMBOCYTOPATHY, ASPLENIA, AND MIOSIS. Identifiers: Orphanet 3204, MedGen C1861451, MONDO:0008497, OMIM 185070.
Myopathy with tubular aggregates (TAM). Also called: Tubular Aggregate Myopathy. Identifiers: Orphanet 2593, MedGen C0410207, MONDO:0008051.
Combined immunodeficiency due to STIM1 deficiency. Also called: STIM1 DEFICIENCY; IMMUNODEFICIENCY 10. Identifiers: Orphanet 169090, Orphanet 317430, MedGen C2748557, MONDO:0013008, OMIM 612783.

gnomAD v4.1: 1 of 1,614,200 alleles (0.000062%); highest among the groups gnomAD compares: Non-Finnish European, 0.000085%; no homozygotes.

Submission:

Labcorp Genetics (formerly Invitae), Labcorp
Classification: Uncertain significance for Myopathy with tubular aggregates; Combined immunodeficiency due to STIM1 deficiency; Stormorken syndrome. Last evaluated: 2024-02-28. Review status: criteria provided, single submitter. Criteria: Invitae Variant Classification Sherloc (09022015). Collection method: clinical testing. Allele origin: germline.
Comment: This sequence change replaces proline, which is neutral and non-polar, with serine, which is neutral and polar, at codon 565 of the STIM1 protein (p.Pro565Ser). This variant is not present in population databases (gnomAD no frequency). This variant has not been reported in the literature in individuals affected with STIM1-related conditions. Advanced modeling of protein sequence and biophysical properties (such as structural, functional, and spatial information, amino acid conservation, physicochemical variation, residue mobility, and thermodynamic stability) performed at Invitae indicates that this missense variant is not expected to disrupt STIM1 protein function with a negative predictive value of 80%. In summary, the available evidence is currently insufficient to determine the role of this variant in disease. Therefore, it has been classified as a Variant of Uncertain Significance.

NM_001382567.1(STIM1):c.1786C>T (p.Pro596Ser)

Gene: STIM1 (stromal interaction molecule 1; plus strand). Cytogenetic location: 11p15.4.
Variant type: single nucleotide variant.
Coding change: c.1786C>T on transcript NM_001382567.1 (MANE Select); coding-DNA position 1786, C replaced by T.
Protein change: p.Pro596Ser; replaces proline 596 with serine.
Molecular consequence: missense variant. On other transcripts: 3 prime UTR variant (4), non-coding transcript variant (3).
Genome position (GRCh38, 1-based): chr11:4,091,433, C>T. VCF-style: chr11-4091433-C-T. GRCh37 (hg19) VCF-style: chr11-4112663-C-T.
Other names: c.2011C>T, p.Pro671Ser (NM_001277961.3); c.*107C>T (NM_001277962.2, NM_001382578.1, NM_001382579.1 and 1 more transcripts); c.1789C>T, p.Pro597Ser (NM_001382566.1); c.1714C>T, p.Pro572Ser (NM_001382568.1); c.1558C>T, p.Pro520Ser (NM_001382569.1); c.1465C>T, p.Pro489Ser (NM_001382570.1); c.1213C>T, p.Pro405Ser (NM_001382571.1); c.1471C>T, p.Pro491Ser (NM_001382575.1, NM_001382576.1, NM_001382577.1); and 2 more; short protein forms P402S, P405S, P489S, P491S, P520S, P565S, P572S, P596S.
Identifiers: ClinVar variation 3754991 (VCV003754991.2).